The following is an entry in ClinVar:

ClinVar aggregate classification (germline): Uncertain significance. Review status: criteria provided, multiple submitters, no conflicts (2 of 4 stars). 2 submissions from 2 submitters: Uncertain significance (2). Last evaluated 2022-08-07.

Allele frequency attached by ClinVar (database versions not stated): gnomAD 0.00001; TOPMed 0.00001.

Submissions (2):

Labcorp Genetics (formerly Invitae), Labcorp
Classification: Uncertain significance. Last evaluated: 2022-08-07. Review status: criteria provided, single submitter. Criteria: Invitae Variant Classification Sherloc (09022015). Collection method: clinical testing. Allele origin: germline.
Comment: This sequence change replaces alanine, which is neutral and non-polar, with proline, which is neutral and non-polar, at codon 398 of the GDF5 protein (p.Ala398Pro). This variant is not present in population databases (gnomAD no frequency). This variant has not been reported in the literature in individuals affected with GDF5-related conditions. ClinVar contains an entry for this variant (Variation ID: 1309401). Algorithms developed to predict the effect of missense changes on protein structure and function are either unavailable or do not agree on the potential impact of this missense change (SIFT: "Tolerated"; PolyPhen-2: "Not Available"; Align-GVGD: "Class C0"). In summary, the available evidence is currently insufficient to determine the role of this variant in disease. Therefore, it has been classified as a Variant of Uncertain Significance.

GeneDx
Classification: Uncertain significance. Last evaluated: 2019-11-22. Review status: criteria provided, single submitter. Criteria: GeneDx Variant Classification Process June 2021. Collection method: clinical testing. Allele origin: germline. Affected: yes.
Comment: Not observed in large population cohorts (Lek et al., 2016); In silico analysis, which includes protein predictors and evolutionary conservation, supports a deleterious effect; Has not been previously published as pathogenic or benign to our knowledge

NM_000557.5(GDF5):c.1192G>C (p.Ala398Pro)

Genes: GDF5 (growth differentiation factor 5; minus strand), GDF5-AS1 (GDF5 antisense RNA 1; plus strand). Cytogenetic location: 20q11.22.
Variant type: single nucleotide variant.
Coding change: c.1192G>C on transcript NM_000557.5 (MANE Select); coding-DNA position 1192, G replaced by C.
Protein change: p.Ala398Pro; replaces alanine 398 with proline.
Molecular consequence: missense variant. On other transcripts: non-coding transcript variant (1).
Genome position (GRCh38, 1-based): chr20:35,434,223, C>G on the plus strand (G>C on the coding strand, the complement: GDF5 is on the minus strand). VCF-style: chr20-35434223-C-G. GRCh37 (hg19) VCF-style: chr20-34022021-C-G.
Other names: c.1192G>C, p.Ala398Pro (NM_001319138.2); short protein forms A398P.
Identifiers: ClinVar variation 1309401 (VCV001309401.3), dbSNP rs1320654037, ClinGen allele CA408739333.